The following is an entry in ClinVar:

ClinVar aggregate classification (germline): Conflicting classifications of pathogenicity. Review status: criteria provided, conflicting classifications (1 of 4 stars). 5 submissions from 4 submitters: Uncertain significance (4); Likely benign (1). Last evaluated 2024-04-15.

Conditions:
Aortic valve disease 1 (AOVD1). Identifiers: MedGen C3887892, MONDO:0024523, OMIM 109730.
Adams-Oliver syndrome 5 (AOS5). Identifiers: Orphanet 974, MedGen C4014970, MONDO:0014459, OMIM 616028.
Familial thoracic aortic aneurysm and aortic dissection (TAAD). Also called: Thoracic aortic aneurysms and dissections. Identifiers: Orphanet 91387, MedGen C4707243, MONDO:0019625.

Allele frequency attached by ClinVar (database versions not stated): ExAC 0.00001; gnomAD 0.00001; gnomAD exomes 0.00001 and 0.00003; TOPMed 0.00001.
gnomAD v4.1: 38 of 1,610,850 alleles (0.0024%); highest among the groups gnomAD compares: Non-Finnish European, 0.0031%; no homozygotes.

Submissions (5):

Labcorp Genetics (formerly Invitae), Labcorp
Classification: Likely benign for Adams-Oliver syndrome 5. Last evaluated: 2024-04-15. Review status: criteria provided, single submitter. Criteria: Invitae Variant Classification Sherloc (09022015). Collection method: clinical testing. Allele origin: germline.

Genome-Nilou Lab
Classification: Uncertain significance for Adams-Oliver syndrome 5. Last evaluated: 2022-03-15. Review status: criteria provided, single submitter. Criteria: ACMG Guidelines, 2015. Collection method: clinical testing. Allele origin: germline. Affected: no.

Genome-Nilou Lab
Classification: Uncertain significance for Aortic valve disease 1. Last evaluated: 2022-03-15. Review status: criteria provided, single submitter. Criteria: ACMG Guidelines, 2015. Collection method: clinical testing. Allele origin: germline. Affected: no.

Ambry Genetics
Classification: Uncertain significance for Familial thoracic aortic aneurysm and aortic dissection. Last evaluated: 2022-01-10. Review status: criteria provided, single submitter. Criteria: Ambry Variant Classification Scheme 2023. Collection method: clinical testing. Allele origin: germline.
Comment: The p.G2261C variant (also known as c.6781G>T), located in coding exon 34 of the NOTCH1 gene, results from a G to T substitution at nucleotide position 6781. The glycine at codon 2261 is replaced by cysteine, an amino acid with highly dissimilar properties. This amino acid position is conserved. In addition, this alteration is predicted to be tolerated by in silico analysis. Since supporting evidence is limited at this time, the clinical significance of this alteration remains unclear.

GeneDx
Classification: Uncertain significance. Last evaluated: 2021-06-23. Review status: criteria provided, single submitter. Criteria: GeneDx Variant Classification Process June 2021. Collection method: clinical testing. Allele origin: germline. Affected: yes.
Comment: Has not been previously published as pathogenic or benign to our knowledge; Not observed at significant frequency in large population cohorts (Lek et al., 2016); In silico analysis supports that this missense variant has a deleterious effect on protein structure/function; Reported in ClinVar as a variant of uncertain significance (ClinVar Variant ID# 1059556; Landrum et al., 2016); This variant is associated with the following publications: (PMID: 27535533)

NM_017617.5(NOTCH1):c.6781G>T (p.Gly2261Cys)

Gene: NOTCH1 (notch receptor 1; minus strand). Cytogenetic location: 9q34.3.
Variant type: single nucleotide variant.
Coding change: c.6781G>T on transcript NM_017617.5 (MANE Select); coding-DNA position 6781, G replaced by T.
Protein change: p.Gly2261Cys; replaces glycine 2261 with cysteine.
Molecular consequence: missense variant.
Genome position (GRCh38, 1-based): chr9:136,496,958, C>A on the plus strand (G>T on the coding strand, the complement: NOTCH1 is on the minus strand). VCF-style: chr9-136496958-C-A. GRCh37 (hg19) VCF-style: chr9-139391410-C-A.
Other names: short protein forms G2261C.
Identifiers: ClinVar variation 1059556 (VCV001059556.13), dbSNP rs768817065, ClinGen allele CA5339819.